The following is an entry in ClinVar:

ClinVar aggregate classification (germline): Uncertain significance (1 of 4 stars; one submission).

Conditions:
Hyperekplexia 3 (HKPX3). Also called: HYPEREKPLEXIA 3, AUTOSOMAL RECESSIVE; HYPEREKPLEXIA 3, AUTOSOMAL DOMINANT. Identifiers: Orphanet 3197, MedGen C3553288, MONDO:0013827, OMIM 614618.

gnomAD v4.1: 6 of 1,614,138 alleles (0.00037%); highest among the groups gnomAD compares: Non-Finnish European, 0.00051%; no homozygotes.

Submission:

Labcorp Genetics (formerly Invitae), Labcorp
Classification: Uncertain significance for Hyperekplexia 3. Last evaluated: 2022-09-13. Review status: criteria provided, single submitter. Criteria: Invitae Variant Classification Sherloc (09022015). Collection method: clinical testing. Allele origin: germline.
Comment: ClinVar contains an entry for this variant (Variation ID: 1424700). This sequence change replaces serine, which is neutral and polar, with tryptophan, which is neutral and slightly polar, at codon 753 of the SLC6A5 protein (p.Ser753Trp). This variant is not present in population databases (gnomAD no frequency). This variant has not been reported in the literature in individuals affected with SLC6A5-related conditions. Advanced modeling of protein sequence and biophysical properties (such as structural, functional, and spatial information, amino acid conservation, physicochemical variation, residue mobility, and thermodynamic stability) performed at Invitae indicates that this missense variant is not expected to disrupt SLC6A5 protein function. In summary, the available evidence is currently insufficient to determine the role of this variant in disease. Therefore, it has been classified as a Variant of Uncertain Significance.

NM_004211.5(SLC6A5):c.2258C>G (p.Ser753Trp)

Gene: SLC6A5 (solute carrier family 6 member 5; plus strand). Cytogenetic location: 11p15.1.
Variant type: single nucleotide variant.
Coding change: c.2258C>G on transcript NM_004211.5 (MANE Select); coding-DNA position 2258, C replaced by G.
Protein change: p.Ser753Trp; replaces serine 753 with tryptophan.
Molecular consequence: missense variant.
Genome position (GRCh38, 1-based): chr11:20,654,732, C>G. VCF-style: chr11-20654732-C-G. GRCh37 (hg19) VCF-style: chr11-20676278-C-G.
Other names: c.1556C>G, p.Ser519Trp (NM_001318369.2); short protein forms S519W, S753W.
Identifiers: ClinVar variation 1424700 (VCV001424700.6), dbSNP rs1715297, ClinGen allele CA379916580.